The following is an entry in ClinVar:

ClinVar aggregate classification (germline): Uncertain significance (1 of 4 stars; one submission).

Conditions:
Developmental and epileptic encephalopathy, 7 (DEE7). Also called: Early infantile epileptic encephalopathy 7; KCNQ2-Related Neonatal Epileptic Encephalopathy; KCNQ2-Related Neonatal-Onset Developmental and Epileptic Encephalopathy (NEO-DEE). Identifiers: Orphanet 439218, MedGen C3150986, MONDO:0013387, OMIM 613720.

gnomAD v4.1: 11 of 702,780 alleles (0.0016%); highest among the groups gnomAD compares: African/African-American, 0.0072%; no homozygotes.

Submission:

Clinical Genomics Laboratory, Washington University in St. Louis
Classification: Uncertain significance for Developmental and epileptic encephalopathy, 7. Last evaluated: 2025-10-15. Review status: criteria provided, single submitter. Criteria: ACMG Guidelines, 2015. Collection method: clinical testing. Allele origin: germline.
Comment: A KCNQ2 c.1751G>A (p.Arg584Gln) variant was identified at a near heterozygous allelic fraction of 48%, a frequency which may be consistent with germline origin. This variant, to our knowledge has not been reported in the medical literature. It is observed on 11/702,780 alleles in the general population (gnomAD v4.1.0). Computational predictors are uncertain as to the impact of this variant on KCNQ2 function. The KCNQ2 gene is a gene that has a low rate of benign missense variation and where pathogenic missense variants are a common mechanism of disease. Due to limited information, and based on ACMG/AMP guidelines for variant interpretation (Richards S et al., PMID: 25741868), the clinical significance of this variant is uncertain at this time.

NM_172107.4(KCNQ2):c.1763+1609G>A

Gene: KCNQ2 (potassium voltage-gated channel subfamily Q member 2; minus strand). Cytogenetic location: 20q13.33.
Variant type: single nucleotide variant.
Coding change: c.1763+1609G>A on transcript NM_172107.4 (MANE Select); 1609 bases into the intron after coding-DNA position 1763, G replaced by A.
Molecular consequence: intron variant. On other transcripts: missense variant (1).
Genome position (GRCh38, 1-based): chr20:63,411,841, C>T on the plus strand (G>A on the coding strand, the complement: KCNQ2 is on the minus strand). VCF-style: chr20-63411841-C-T. GRCh37 (hg19) VCF-style: chr20-62043194-C-T.
Other names: c.1751G>A, p.Arg584Gln (NM_001382235.1); c.1676+1609G>A (NM_001439004.1); c.1679+1609G>A (NM_004518.6); c.1670+1609G>A (NM_172108.5); c.1706+1609G>A (NM_001439003.1); c.1709+1609G>A (NM_172106.3); short protein forms R584Q.
Identifiers: ClinVar variation 4974601 (VCV004974601.1).
Genomic context (GRCh38, chr20:63,411,841, plus strand): 5'-GAGTACTGGGGTGACTCTCTCGGAGGGGCCGTGGGTCCTTTGGTGGGGTACTTCTTGTGC[C>T]GGGGAGTTGAAGGGGGCGGGGGACCCACAATCATATCTATCCTGGCAGAGTAAACAAGAA-3'